The following is an entry in ClinVar:

NM_005751.5(AKAP9):c.5806A>T (p.Arg1936Trp)

Gene: AKAP9 (A-kinase anchoring protein 9; plus strand). Cytogenetic location: 7q21.2.
Variant type: single nucleotide variant.
Coding change: c.5806A>T on transcript NM_005751.5 (MANE Select); coding-DNA position 5806, A replaced by T.
Protein change: p.Arg1936Trp; replaces arginine 1936 with tryptophan.
Molecular consequence: missense variant.
Genome position (GRCh38, 1-based): chr7:92,062,315, A>T. VCF-style: chr7-92062315-A-T. GRCh37 (hg19) VCF-style: chr7-91691629-A-T.
Other names: c.451A>T, p.Arg151Trp (NM_001379277.1); c.5806A>T, p.Arg1936Trp (NM_147185.3); short protein forms R151W, R1936W.
Identifiers: ClinVar variation 3281819 (VCV003281819.1).

ClinVar aggregate classification (germline): Uncertain significance (1 of 4 stars; one submission).

Conditions:
Cardiovascular phenotype. Identifiers: MedGen CN230736.

Submission:

Ambry Genetics
Classification: Uncertain significance for Cardiovascular phenotype. Last evaluated: 2024-04-08. Review status: criteria provided, single submitter. Criteria: Ambry Variant Classification Scheme 2023. Collection method: clinical testing. Allele origin: germline.
Comment: The p.R1936W variant (also known as c.5806A>T), located in coding exon 24 of the AKAP9 gene, results from an A to T substitution at nucleotide position 5806. The arginine at codon 1936 is replaced by tryptophan, an amino acid with dissimilar properties. This amino acid position is conserved. In addition, this alteration is predicted to be tolerated by in silico analysis. Based on the available evidence, the clinical significance of this variant remains unclear.